The following is an entry in ClinVar:

ClinVar aggregate classification (germline): Uncertain significance (1 of 4 stars; one submission).

Conditions:
Ichthyosis linearis circumflexa. Identifiers: MedGen C0265962, MONDO:0043106, HP:0025810.

Submission:

Labcorp Genetics (formerly Invitae), Labcorp
Classification: Uncertain significance for Ichthyosis linearis circumflexa. Last evaluated: 2019-08-19. Review status: criteria provided, single submitter. Criteria: Invitae Variant Classification Sherloc (09022015). Collection method: clinical testing. Allele origin: germline.
Comment: This variant is not present in population databases (ExAC no frequency). This variant, c.1623_1625dup, results in the insertion of 1 amino acid(s) to the SPINK5 protein (p.Glu542dup), but otherwise preserves the integrity of the reading frame. This variant has not been reported in the literature in individuals with SPINK5-related conditions. In summary, the available evidence is currently insufficient to determine the role of this variant in disease. Therefore, it has been classified as a Variant of Uncertain Significance. Experimental studies and prediction algorithms are not available or were not evaluated for this variant, and the functional significance of this variant is currently unknown.

NM_006846.4(SPINK5):c.1617AGA[4] (p.Glu542dup)

Gene: SPINK5 (serine peptidase inhibitor Kazal type 5; plus strand). Cytogenetic location: 5q32.
Variant type: Microsatellite.
Coding change: c.1617AGA[4] on transcript NM_006846.4 (MANE Select); four copies in a row of the 3-base unit AGA starting at c.1617; the reference has three copies in a row; one copy, 3 bases duplicated.
Protein change: p.Glu542dup; duplicates glutamic acid 542.
Molecular consequence: inframe insertion.
Genome position (GRCh38, 1-based): chr5:148,108,768-148,108,770, AGA duplicated; duplicating any 3 consecutive bases within chr5:148,108,760-148,108,770 gives the same sequence; the position shown is the placement nearest the transcript's 3' end. VCF-style (leftmost placement, unchanged base first): chr5-148108759-T-TGAA. GRCh37 (hg19) VCF-style: chr5-147488322-T-TGAA.
Other names: c.1617AGA[4], p.Glu542dup (NM_001127698.2, NM_001127699.2).
Identifiers: ClinVar variation 957989 (VCV000957989.8), dbSNP rs771646677, ClinGen allele CA1082740778.
Genomic context (GRCh38, chr5:148,108,759, plus strand): 5'-TACCAAAAAGAGTAGGGAATCATATTCAGCCTATATCTTCTTTTTCTATTACAGCAAACT[T>TGAA]GAAGAAGAAGAGAAGAAAAATGATAAAGAAGAAAAAGGGAAAGTCGAGGCTGAAAAAGTT-3'